The following is an entry in ClinVar:

ClinVar aggregate classification (germline): Conflicting classifications of pathogenicity. Review status: criteria provided, conflicting classifications (1 of 4 stars). 4 submissions from 4 submitters: Uncertain significance (3); Likely benign (1). Last evaluated 2026-04-15.

Conditions:
RASA2-related disorder. Also called: RASA2-related condition.

Allele frequency attached by ClinVar (database versions not stated): ExAC 0.00001; TOPMed 0.00001.
gnomAD v4.1: 11 of 1,531,744 alleles (0.00072%); highest among the groups gnomAD compares: South Asian, 0.0026%; no homozygotes.

Submissions (4):

PreventionGenetics, part of Exact Sciences
Classification: Uncertain significance for RASA2-related condition. Last evaluated: 2026-04-15. Review status: criteria provided, single submitter. Criteria: ACMG Guidelines, 2015. Collection method: clinical testing. Allele origin: germline.
Comment: The RASA2 c.349C>T variant is predicted to result in the amino acid substitution p.Arg117Cys. To our knowledge, this variant has not been reported in the literature. This variant is reported in 0.0010% of alleles in individuals of European (Non-Finnish) descent in gnomAD and has conflicting interpretations ranging from uncertain significance to likely benign in ClinVar (Variation ID: 1317888). At this time, the clinical significance of this variant is uncertain due to the absence of conclusive functional and genetic evidence.

Labcorp Genetics (formerly Invitae), Labcorp
Classification: Uncertain significance. Last evaluated: 2026-02-04. Review status: criteria provided, single submitter. Criteria: Invitae Variant Classification Sherloc (09022015). Collection method: clinical testing. Allele origin: germline.
Comment: This sequence change replaces arginine, which is basic and polar, with cysteine, which is neutral and slightly polar, at codon 117 of the RASA2 protein (p.Arg117Cys). The frequency data for this variant in the population databases is considered unreliable, as metrics indicate poor data quality at this position in the gnomAD database. This variant has not been reported in the literature in individuals affected with RASA2-related conditions. ClinVar contains an entry for this variant (Variation ID: 1317888). Invitae Evidence Modeling of protein sequence and biophysical properties (such as structural, functional, and spatial information, amino acid conservation, physicochemical variation, residue mobility, and thermodynamic stability) indicates that this missense variant is not expected to disrupt RASA2 protein function with a negative predictive value of 80%. In summary, the available evidence is currently insufficient to determine the role of this variant in disease. Therefore, it has been classified as a Variant of Uncertain Significance.

Ambry Genetics
Classification: Uncertain significance. Last evaluated: 2021-06-18. Review status: criteria provided, single submitter. Criteria: Ambry Variant Classification Scheme 2023. Collection method: clinical testing. Allele origin: germline.

GeneDx
Classification: Likely benign. Last evaluated: 2019-04-24. Review status: criteria provided, single submitter. Criteria: GeneDx Variant Classification Process June 2021. Collection method: clinical testing. Allele origin: germline. Affected: yes.
Comment: Has not been previously published as pathogenic or benign to our knowledge; Variants in candidate genes are classified as variants of uncertain significance in accordance with ACMG guidelines (Richards et al., 2015)

NM_006506.5(RASA2):c.349C>T (p.Arg117Cys)

Gene: RASA2 (RAS p21 protein activator 2; plus strand). Cytogenetic location: 3q23.
Variant type: single nucleotide variant.
Coding change: c.349C>T on transcript NM_006506.5 (MANE Select); coding-DNA position 349, C replaced by T.
Protein change: p.Arg117Cys; replaces arginine 117 with cysteine.
Molecular consequence: missense variant.
Genome position (GRCh38, 1-based): chr3:141,516,425, C>T. VCF-style: chr3-141516425-C-T. GRCh37 (hg19) VCF-style: chr3-141235267-C-T.
Other names: c.349C>T, p.Arg117Cys (NM_001303245.3, NM_001303246.3); c.349C>T (NM_006506.3); short protein forms R117C.
Identifiers: ClinVar variation 1317888 (VCV001317888.8), dbSNP rs767782524, ClinGen allele CA2645157.
Genomic context (GRCh38, chr3:141,516,425, plus strand): 5'-AGAACTTTCCAGTATTTGTCTTTCTATGTTTATGATAAGAATGTTTTACAAAGAGATCTC[C>T]GTATAGGTATGTACTATTCATAATTATCTTTAATCACAATGTTAATGTTTATATTCATTC-3'
Protein context (NP_006497.2, residues 107-127): YDKNVLQRDL[Arg117Cys]IGKVAIKKED